The following is an entry in ClinVar:

ClinVar aggregate classification (germline): Likely pathogenic (1 of 4 stars; one submission).

Conditions:
Infantile hypophosphatasia. Identifiers: Orphanet 247651, Orphanet 436, MedGen C0268412, MONDO:1010169, OMIM 241500, MONDO:0009427.

Submission:

MGZ Medical Genetics Center
Classification: Likely pathogenic for Infantile hypophosphatasia. Last evaluated: 2022-01-07. Review status: criteria provided, single submitter. Criteria: ACMG Guidelines, 2015. Collection method: clinical testing. Allele origin: germline. Affected: yes. Observed: 1 variant allele.
Comment: ACMG criteria applied: PVS1_STR, PM2_SUP, PM3_SUP, PP4

NM_000478.6(ALPL):c.1439del (p.Val480fs)

Gene: ALPL (alkaline phosphatase, biomineralization associated; plus strand). Cytogenetic location: 1p36.12.
Variant type: Deletion.
Coding change: c.1439del on transcript NM_000478.6 (MANE Select); coding-DNA position 1439, one base deleted (T; older notation c.1439delT).
Protein change: p.Val480fs; shifts the reading frame from valine 480.
Molecular consequence: frameshift variant.
Genome position (GRCh38, 1-based): chr1:21,577,512, T deleted. VCF-style (leftmost placement, unchanged base first): chr1-21577511-GT-G. GRCh37 (hg19) VCF-style: chr1-21904004-GT-G.
Other names: c.1274del, p.Val425fs (NM_001127501.4); c.1208del, p.Val403fs (NM_001177520.3); c.1439del, p.Val480fs (NM_001369803.2, NM_001369804.2, NM_001369805.2); short protein forms V403fs, V425fs, V480fs.
Identifiers: ClinVar variation 1709113 (VCV001709113.1), dbSNP rs2545351166, ClinGen allele CA2580061486.